The following is an entry in ClinVar:

ClinVar aggregate classification (germline): Uncertain significance. Review status: criteria provided, multiple submitters, no conflicts (2 of 4 stars). 3 submissions from 3 submitters: Uncertain significance (2). 1 of the submissions does not count toward it. Last evaluated 2022-06-19.

Conditions:
RPGRIP1L-related disorder. Also called: RPGRIP1L-related condition; RPGRIP1L-related disorders. Identifiers: MedGen CN239416.
Meckel-Gruber syndrome. Also called: GRUBER SYNDROME; DYSENCEPHALIA SPLANCHNOCYSTICA; Dysencephalia splachnocystica. Identifiers: Orphanet 564, MedGen C0265215, MONDO:0018921.
Joubert syndrome. Also called: JOUBERT-BOLTSHAUSER SYNDROME; Familial aplasia of the vermis. Identifiers: Orphanet 475, MedGen C5979921, MONDO:0018772.

Allele frequency attached by ClinVar (database versions not stated): gnomAD exomes below 0.00001; TOPMed below 0.00001.
gnomAD v4.1: 5 of 1,614,096 alleles (0.00031%); highest among the groups gnomAD compares: Non-Finnish European, 0.00042%; no homozygotes.

Submissions (3):

Labcorp Genetics (formerly Invitae), Labcorp
Classification: Uncertain significance for Joubert syndrome; Meckel-Gruber syndrome. Last evaluated: 2022-06-19. Review status: criteria provided, single submitter. Criteria: Invitae Variant Classification Sherloc (09022015). Collection method: clinical testing. Allele origin: germline.
Comment: This sequence change replaces arginine, which is basic and polar, with glycine, which is neutral and non-polar, at codon 736 of the RPGRIP1L protein (p.Arg736Gly). This variant is present in population databases (no rsID available, gnomAD 0.0009%). In summary, the available evidence is currently insufficient to determine the role of this variant in disease. Therefore, it has been classified as a Variant of Uncertain Significance. Algorithms developed to predict the effect of sequence changes on RNA splicing suggest that this variant may create or strengthen a splice site. Algorithms developed to predict the effect of missense changes on protein structure and function are either unavailable or do not agree on the potential impact of this missense change (SIFT: "Tolerated"; PolyPhen-2: "Possibly Damaging"; Align-GVGD: "Class C0"). This variant has not been reported in the literature in individuals affected with RPGRIP1L-related conditions.

Blueprint Genetics
Classification: Uncertain significance. Last evaluated: 2021-10-11. Review status: criteria provided, single submitter. Criteria: ACMG Guidelines, 2015. Collection method: clinical testing. Allele origin: germline.

PreventionGenetics, part of Exact Sciences
Classification: Uncertain significance for RPGRIP1L-related condition. Last evaluated: 2024-03-23. Review status: no assertion criteria provided. Collection method: clinical testing. Allele origin: germline. Not counted in ClinVar's aggregate classification.
Comment: The RPGRIP1L c.2206A>G variant is predicted to result in the amino acid substitution p.Arg736Gly. To our knowledge, this variant has not been reported in the literature. This variant is reported in 0.00088% of alleles in individuals of European (Non-Finnish) descent in gnomAD. At this time, the clinical significance of this variant is uncertain due to the absence of conclusive functional and genetic evidence.

NM_015272.5(RPGRIP1L):c.2206A>G (p.Arg736Gly)

Gene: RPGRIP1L (RPGRIP1 like; minus strand). Cytogenetic location: 16q12.2.
Variant type: single nucleotide variant.
Coding change: c.2206A>G on transcript NM_015272.5 (MANE Select); coding-DNA position 2206, A replaced by G.
Protein change: p.Arg736Gly; replaces arginine 736 with glycine.
Molecular consequence: missense variant.
Genome position (GRCh38, 1-based): chr16:53,649,062, T>C on the plus strand (A>G on the coding strand, the complement: RPGRIP1L is on the minus strand). VCF-style: chr16-53649062-T-C. GRCh37 (hg19) VCF-style: chr16-53682974-T-C.
Other names: c.2206A>G, p.Arg736Gly (NM_001127897.4, NM_001308334.3, NM_001330538.2); c.2206A>G (NM_015272.4); short protein forms R736G.
Identifiers: ClinVar variation 1984583 (VCV001984583.4), dbSNP rs1354385640, ClinGen allele CA395915731.